The following is an entry in ClinVar:

NM_015267.4(CUX2):c.2926+8C>T

Gene: CUX2 (cut like homeobox 2; plus strand). Cytogenetic location: 12q24.12.
Variant type: single nucleotide variant.
Coding change: c.2926+8C>T on transcript NM_015267.4 (MANE Select); 8 bases into the intron after coding-DNA position 2926, C replaced by T.
Molecular consequence: intron variant.
Genome position (GRCh38, 1-based): chr12:111,322,588, C>T. VCF-style: chr12-111322588-C-T. GRCh37 (hg19) VCF-style: chr12-111760392-C-T.
Other names: c.2926+8C>T (NM_015267.3); c.2740+8C>T (NM_001370598.1).
Identifiers: ClinVar variation 1701210 (VCV001701210.34), dbSNP rs190095888, ClinGen allele CA6788980.

ClinVar aggregate classification (germline): Benign/Likely benign. Review status: criteria provided, multiple submitters, no conflicts (2 of 4 stars). 3 submissions from 3 submitters: Benign (2); Likely benign (1). Last evaluated 2024-11-27.

Conditions:
CUX2-related disorder. Also called: CUX2-related condition.

Allele frequency attached by ClinVar (database versions not stated): ESP Exome Variant Server 0.00008; 1000 Genomes Project 30x 0.00031; gnomAD exomes 0.00034 and 0.00086; 1000 Genomes Project 0.00040; gnomAD 0.00066; ExAC 0.00106.
gnomAD v4.1: 607 of 1,604,742 alleles (0.038%); highest among the groups gnomAD compares: East Asian, 0.083%; 3 homozygotes.

Submissions (3):

Blueprint Genetics
Classification: Likely benign. Last evaluated: 2024-11-27. Review status: criteria provided, single submitter. Criteria: ACMG Guidelines, 2015. Collection method: clinical testing. Allele origin: germline.

PreventionGenetics, part of Exact Sciences
Classification: Benign for CUX2-related condition. Last evaluated: 2024-11-25. Review status: criteria provided, single submitter. Criteria: ACMG Guidelines, 2015. Collection method: clinical testing. Allele origin: germline.
Comment: This variant is classified as benign based on ACMG/AMP sequence variant interpretation guidelines (Richards et al. 2015 PMID: 25741868, with internal and published modifications).

CeGaT Center for Human Genetics Tuebingen
Classification: Benign. Last evaluated: 2022-07-01. Review status: criteria provided, single submitter. Criteria: CeGaT Center For Human Genetics Tuebingen Variant Classification Criteria Version 2. Collection method: clinical testing. Allele origin: germline. Affected: yes. Observed: 1 variant allele.
Comment: CUX2: BS1, BS2